The following is an entry in ClinVar:

NM_001042492.3(NF1):c.3965A>C (p.Asp1322Ala)

Gene: NF1 (neurofibromin 1; plus strand). Cytogenetic location: 17q11.2.
Variant type: single nucleotide variant.
Coding change: c.3965A>C on transcript NM_001042492.3 (MANE Select); coding-DNA position 3965, A replaced by C.
Protein change: p.Asp1322Ala; replaces aspartic acid 1322 with alanine.
Molecular consequence: missense variant.
Genome position (GRCh38, 1-based): chr17:31,236,012, A>C. VCF-style: chr17-31236012-A-C. GRCh37 (hg19) VCF-style: chr17-29563030-A-C.
Other names: c.3965A>C, p.Asp1322Ala (NM_000267.4); short protein forms D1322A.
Identifiers: ClinVar variation 1361540 (VCV001361540.9), dbSNP rs1555615565, ClinGen allele CA398993321.

ClinVar aggregate classification (germline): Uncertain significance. Review status: criteria provided, multiple submitters, no conflicts (2 of 4 stars). 2 submissions from 2 submitters: Uncertain significance (2). Last evaluated 2026-09-08.

Conditions:
Hereditary cancer-predisposing syndrome. Also called: Hereditary Cancer Syndrome; Neoplastic Syndromes, Hereditary; Hereditary neoplastic syndrome; Tumor predisposition. Identifiers: Orphanet 140162, MedGen C0027672, MeSH D009386, MONDO:0015356.
Cardiovascular phenotype. Identifiers: MedGen CN230736.
Neurofibromatosis, type 1 (NF1). Also called: Peripheral type neurofibromatosis; VON RECKLINGHAUSEN DISEASE; NEUROFIBROMATOSIS, TYPE I, SOMATIC; Neurofibromatosis, type I. Identifiers: Orphanet 636, MedGen C0027831, MONDO:0018975, OMIM 162200. Disease mechanism: loss of function.

Submissions (2):

Ambry Genetics
Classification: Uncertain significance for Cardiovascular phenotype; Hereditary cancer-predisposing syndrome. Last evaluated: 2026-09-08. Review status: criteria provided, single submitter. Criteria: Ambry Variant Classification Scheme 2023. Collection method: clinical testing. Allele origin: germline.
Comment: The p.D1322A variant (also known as c.3965A>C), located in coding exon 29 of the NF1 gene, results from an A to C substitution at nucleotide position 3965. The aspartic acid at codon 1322 is replaced by alanine, an amino acid with dissimilar properties. This amino acid position is highly conserved in available vertebrate species. In addition, this alteration is predicted to be deleterious by in silico analysis. Based on the available evidence, the clinical significance of this variant remains unclear.

Labcorp Genetics (formerly Invitae), Labcorp
Classification: Uncertain significance for Neurofibromatosis, type 1. Last evaluated: 2024-01-31. Review status: criteria provided, single submitter. Criteria: Invitae Variant Classification Sherloc (09022015). Collection method: clinical testing. Allele origin: germline.
Comment: This sequence change replaces aspartic acid, which is acidic and polar, with alanine, which is neutral and non-polar, at codon 1322 of the NF1 protein (p.Asp1322Ala). This variant is not present in population databases (gnomAD no frequency). This variant has not been reported in the literature in individuals affected with NF1-related conditions. ClinVar contains an entry for this variant (Variation ID: 1361540). Advanced modeling of protein sequence and biophysical properties (such as structural, functional, and spatial information, amino acid conservation, physicochemical variation, residue mobility, and thermodynamic stability) performed at Invitae indicates that this missense variant is expected to disrupt NF1 protein function with a positive predictive value of 95%. In summary, the available evidence is currently insufficient to determine the role of this variant in disease. Therefore, it has been classified as a Variant of Uncertain Significance.